The following is an entry in ClinVar:

NM_007294.4(BRCA1):c.4501T>C (p.Cys1501Arg)

Gene: BRCA1 (BRCA1 DNA repair associated; minus strand). Cytogenetic location: 17q21.31.
Variant type: single nucleotide variant.
Coding change: c.4501T>C on transcript NM_007294.4 (MANE Select); coding-DNA position 4501, T replaced by C.
Protein change: p.Cys1501Arg; replaces cysteine 1501 with arginine.
Molecular consequence: missense variant. On other transcripts: non-coding transcript variant (1).
Genome position (GRCh38, 1-based): chr17:43,074,505, A>G on the plus strand (T>C on the coding strand, the complement: BRCA1 is on the minus strand). VCF-style: chr17-43074505-A-G. GRCh37 (hg19) VCF-style: chr17-41226522-A-G.
Other names: c.4354T>C, p.Cys1452Arg (NM_001407847.1, NM_001407848.1, NM_001407849.1 and 12 more transcripts); c.4501T>C, p.Cys1501Arg (NM_001407854.1, NM_001407593.1, NM_001407594.1 and 8 more transcripts); c.4498T>C, p.Cys1500Arg (NM_001407858.1, NM_001407859.1, NM_001407860.1 and 17 more transcripts); c.4495T>C, p.Cys1499Arg (NM_001407861.1, NM_001407627.1, NM_001407628.1 and 14 more transcripts); c.4300T>C, p.Cys1434Arg (NM_001407862.1); c.4375T>C, p.Cys1459Arg (NM_001407863.1, NM_001407939.1, NM_001407940.1 and 11 more transcripts); c.4294T>C, p.Cys1432Arg (NM_001407874.1, NM_001407875.1); c.4291T>C, p.Cys1431Arg (NM_001407879.1, NM_001407881.1, NM_001407882.1 and 5 more transcripts); and 68 more; short protein forms C1496R, C1500R, C1523R, C318R, C330R, C356R, C359R, C373R.
Identifiers: ClinVar variation 1741056 (VCV001741056.2), dbSNP rs1452494041, ClinGen allele CA10592525.

ClinVar aggregate classification (germline): Uncertain significance (1 of 4 stars; one submission).

Conditions:
Hereditary cancer-predisposing syndrome. Also called: Hereditary Cancer Syndrome; Hereditary neoplastic syndrome; Neoplastic Syndromes, Hereditary; Tumor predisposition. Identifiers: Orphanet 140162, MedGen C0027672, MeSH D009386, MONDO:0015356.

Submission:

Ambry Genetics
Classification: Uncertain significance for Hereditary cancer-predisposing syndrome. Last evaluated: 2020-11-02. Review status: criteria provided, single submitter. Criteria: Ambry Variant Classification Scheme 2023. Collection method: clinical testing. Allele origin: germline.
Comment: The p.C1501R variant (also known as c.4501T>C), located in coding exon 13 of the BRCA1 gene, results from a T to C substitution at nucleotide position 4501. The cysteine at codon 1501 is replaced by arginine, an amino acid with highly dissimilar properties. This amino acid position is poorly conserved in available vertebrate species. In addition, the in silico prediction for this alteration is inconclusive. Since supporting evidence is limited at this time, the clinical significance of this alteration remains unclear.